The following is an entry in ClinVar:

NM_001367479.1(DNAH14):c.9580C>G (p.Leu3194Val)

Gene: DNAH14 (dynein axonemal heavy chain 14; plus strand). Cytogenetic location: 1q42.12.
Variant type: single nucleotide variant.
Coding change: c.9580C>G on transcript NM_001367479.1 (MANE Select); coding-DNA position 9580, C replaced by G.
Protein change: p.Leu3194Val; replaces leucine 3194 with valine.
Molecular consequence: missense variant.
Genome position (GRCh38, 1-based): chr1:225,324,306, C>G. VCF-style: chr1-225324306-C-G. GRCh37 (hg19) VCF-style: chr1-225512008-C-G.
Other names: NM_001373.1:c.9301C>G; short protein forms L3194V.
Identifiers: ClinVar variation 4071837 (VCV004071837.1).
Genomic context (GRCh38, chr1:225,324,306, plus strand): 5'-GTAACCTTACCTGATTTCAACCCACACAAGATTTCGCTGGTTTCTGTTGCTTGTTGCTCC[C>G]TGTGCCAGTGGGTTATAGCTTTGAATAACTACCATGAAGTACAGAAGGTATGCTTTTCCT-3'
Protein context (NP_001354408.1, residues 3184-3204): ISLVSVACCS[Leu3194Val]CQWVIALNNY

ClinVar aggregate classification (germline): Uncertain significance (1 of 4 stars; one submission).

gnomAD v4.1: 3 of 1,551,768 alleles (0.00019%); highest among the groups gnomAD compares: Admixed American, 0.0039%; no homozygotes.

Submission:

GeneDx
Classification: Uncertain significance. Last evaluated: 2025-01-28. Review status: criteria provided, single submitter. Criteria: GeneDx Variant Classification Process June 2021. Collection method: clinical testing. Allele origin: germline. Affected: yes.
Comment: Not observed at significant frequency in large population cohorts (gnomAD); In silico analysis indicates that this missense variant does not alter protein structure/function; Has not been previously published as pathogenic or benign to our knowledge